The following is an entry in ClinVar:

ClinVar aggregate classification (germline): Uncertain significance (1 of 4 stars; one submission).

Conditions:
Autosomal dominant hypocalcemia 1 (HYPOC1). Also called: HYPOCALCEMIA, FAMILIAL. Identifiers: MedGen C3715128, MONDO:0011013, OMIM 601198.
Familial hypocalciuric hypercalcemia (FHH). Also called: Familial benign hypercalcemia. Identifiers: Orphanet 405, MedGen C1809471, MONDO:0018458.

Submission:

Labcorp Genetics (formerly Invitae), Labcorp
Classification: Uncertain significance for Familial hypocalciuric hypercalcemia; Autosomal dominant hypocalcemia 1. Last evaluated: 2023-12-01. Review status: criteria provided, single submitter. Criteria: Invitae Variant Classification Sherloc (09022015). Collection method: clinical testing. Allele origin: germline.
Comment: This sequence change replaces tryptophan, which is neutral and slightly polar, with serine, which is neutral and polar, at codon 70 of the CASR protein (p.Trp70Ser). This variant is not present in population databases (gnomAD no frequency). This variant has not been reported in the literature in individuals affected with CASR-related conditions. An algorithm developed to predict the effect of missense changes on protein structure and function (PolyPhen-2) suggests that this variant is likely to be disruptive. Algorithms developed to predict the effect of sequence changes on RNA splicing suggest that this variant may create or strengthen a splice site. In summary, the available evidence is currently insufficient to determine the role of this variant in disease. Therefore, it has been classified as a Variant of Uncertain Significance.

NM_000388.4(CASR):c.209G>C (p.Trp70Ser)

Gene: CASR (calcium sensing receptor; plus strand). Cytogenetic location: 3q21.1.
Variant type: single nucleotide variant.
Coding change: c.209G>C on transcript NM_000388.4 (MANE Select); coding-DNA position 209, G replaced by C.
Protein change: p.Trp70Ser; replaces tryptophan 70 with serine.
Molecular consequence: missense variant.
Genome position (GRCh38, 1-based): chr3:122,257,104, G>C. VCF-style: chr3-122257104-G-C. GRCh37 (hg19) VCF-style: chr3-121975951-G-C.
Other names: c.209G>C, p.Trp70Ser (NM_001178065.2); short protein forms W70S.
Identifiers: ClinVar variation 2954333 (VCV002954333.3), dbSNP rs2107627458, ClinGen allele CA354362388.